The following is an entry in ClinVar:

ClinVar aggregate classification (germline): Pathogenic (1 of 4 stars; one submission).

Conditions:
Cardiovascular phenotype. Identifiers: MedGen CN230736.

Submission:

Ambry Genetics
Classification: Pathogenic for Cardiovascular phenotype. Last evaluated: 2024-11-27. Review status: criteria provided, single submitter. Criteria: Ambry Variant Classification Scheme 2023. Collection method: clinical testing. Allele origin: germline.
Comment: The c.3710delA pathogenic mutation, located in coding exon 23 of the DSP gene, results from a deletion of one nucleotide at nucleotide position 3710, causing a translational frameshift with a predicted alternate stop codon (p.N1237Tfs*13). Alterations in DSP that result in haploinsufficiency or protein truncation have been reported in patients with arrhythmogenic right ventricular cardiomyopathy (ARVC) and dilated cardiomyopathy (DCM) (Fressart V et al. Europace.2010;12(6):861-8; Elliott P et al. Circ Cardiovasc Genet. 2010;3(4):314-22; Quarta G et al. Circulation. 2011;123(23):2701-9; Garcia-Pavia P et al. Heart. 2011;97(21):1744-52; Rasmussen TB et al. Clin Genet. 2013;84(1):20-30; Pugh TJ et al.Genet Med. 2014;16(8):601-8). This alteration is expected to result in loss of function by premature protein truncation or nonsense-mediated mRNA decay. This variant is considered to be rare based on population cohorts in the Genome Aggregation Database (gnomAD). Based on the supporting evidence, this variant is interpreted as a disease-causing mutation.

NM_004415.4(DSP):c.3710del (p.Asn1237fs)

Gene: DSP (desmoplakin; plus strand). Cytogenetic location: 6p24.3.
Variant type: Deletion.
Coding change: c.3710del on transcript NM_004415.4 (MANE Select); coding-DNA position 3710, one base deleted (A; older notation c.3710delA).
Protein change: p.Asn1237fs; shifts the reading frame from asparagine 1237.
Molecular consequence: frameshift variant. On other transcripts: intron variant (1).
Genome position (GRCh38, 1-based): chr6:7,579,900, A deleted; the last of 3 consecutive A bases (chr6:7,579,898-7,579,900); deleting any one gives the same sequence. VCF-style (leftmost placement, unchanged base first): chr6-7579897-GA-G. GRCh37 (hg19) VCF-style: chr6-7580130-GA-G.
Other names: c.3710del, p.Asn1237fs (NM_001319034.2); c.3582+128del (NM_001008844.3); short protein forms N1237fs.
Identifiers: ClinVar variation 3505528 (VCV003505528.1).